The following is an entry in ClinVar:

NM_152618.3(BBS12):c.1502C>T (p.Thr501Met)

Gene: BBS12 (Bardet-Biedl syndrome 12; plus strand). Cytogenetic location: 4q27.
Variant type: single nucleotide variant.
Coding change: c.1502C>T on transcript NM_152618.3 (MANE Select); coding-DNA position 1502, C replaced by T.
Protein change: p.Thr501Met; replaces threonine 501 with methionine.
Molecular consequence: missense variant.
Genome position (GRCh38, 1-based): chr4:122,743,394, C>T. VCF-style: chr4-122743394-C-T. GRCh37 (hg19) VCF-style: chr4-123664549-C-T.
Other names: c.1502C>T, p.Thr501Met (NM_001178007.2); short protein forms T501M.
Identifiers: ClinVar variation 585190 (VCV000585190.30), dbSNP rs138011813, ClinGen allele CA3069462.

ClinVar aggregate classification (germline): Pathogenic/Likely pathogenic. Review status: criteria provided, multiple submitters, no conflicts (2 of 4 stars). 10 submissions from 10 submitters: Pathogenic (5); Likely pathogenic (3). 2 of the submissions do not count toward it. Last evaluated 2026-08-05.

Conditions:
BBS12-related disorder. Also called: BBS12-related condition.
Bardet-Biedl syndrome (BBS). Identifiers: Orphanet 110, MedGen C0752166, MONDO:0015229.
Bardet-Biedl syndrome 12 (BBS12). Identifiers: Orphanet 110, MedGen C1859570, MONDO:0014440, OMIM 615989.

Allele frequency attached by ClinVar (database versions not stated): gnomAD exomes 0.00001 and 0.00004; ExAC 0.00002; ESP Exome Variant Server 0.00015; TOPMed 0.00019; 1000 Genomes Project 0.00020; gnomAD 0.00020; 1000 Genomes Project 30x 0.00031.
gnomAD v4.1: 52 of 1,614,176 alleles (0.0032%); highest among the groups gnomAD compares: African/African-American, 0.056%; no homozygotes.

Submissions (10):

PreventionGenetics, part of Exact Sciences
Classification: Likely pathogenic for BBS12-related condition. Last evaluated: 2026-08-05. Review status: criteria provided, single submitter. Criteria: ACMG Guidelines, 2015. Collection method: clinical testing. Allele origin: germline.
Comment: The BBS12 c.1502C>T variant is predicted to result in the amino acid substitution p.Thr501Met. This variant has been reported, along with a second potentially causative variant in the same gene, in individuals with Bardet-Biedl syndrome (Stoetzel et al. 2007. PubMed ID: 17160889; Billingsley et al. 2010. PubMed ID: 20472660; Mary et al. 2019. PubMed ID: 30614526). This variant is reported in 0.052% of alleles in individuals of African descent in gnomAD. This variant is interpreted as likely pathogenic.

Labcorp Genetics (formerly Invitae), Labcorp
Classification: Pathogenic for Bardet-Biedl syndrome. Last evaluated: 2025-09-09. Review status: criteria provided, single submitter. Criteria: Invitae Variant Classification Sherloc (09022015). Collection method: clinical testing. Allele origin: germline.
Comment: This sequence change replaces threonine, which is neutral and polar, with methionine, which is neutral and non-polar, at codon 501 of the BBS12 protein (p.Thr501Met). This variant is present in population databases (rs138011813, gnomAD 0.05%). This missense change has been observed in individual(s) with Bardet-Biedl syndrome (PMID: 17160889, 20472660). In at least one individual the data is consistent with being in trans (on the opposite chromosome) from a pathogenic variant. ClinVar contains an entry for this variant (Variation ID: 585190). Invitae Evidence Modeling of protein sequence and biophysical properties (such as structural, functional, and spatial information, amino acid conservation, physicochemical variation, residue mobility, and thermodynamic stability) indicates that this missense variant is expected to disrupt BBS12 protein function with a positive predictive value of 80%. Experimental studies have shown that this missense change affects BBS12 function (PMID: 20080638, 20498079). For these reasons, this variant has been classified as Pathogenic.

Fulgent Genetics
Classification: Pathogenic for Bardet-Biedl syndrome 12. Last evaluated: 2024-04-01. Review status: criteria provided, single submitter. Criteria: ACMG Guidelines, 2015. Collection method: clinical testing. Allele origin: germline.

GeneDx
Classification: Likely pathogenic. Last evaluated: 2024-01-21. Review status: criteria provided, single submitter. Criteria: GeneDx Variant Classification Process June 2021. Collection method: clinical testing. Allele origin: germline. Affected: yes.
Comment: Published functional studies suggest a damaging effect (PMID: 20498079); In silico analysis supports that this missense variant has a deleterious effect on protein structure/function; This variant is associated with the following publications: (PMID: 17160889, 20472660, 30614526, 20498079)

New York Genome Center
Classification: Pathogenic for Bardet-Biedl syndrome 12. Last evaluated: 2023-01-23. Review status: criteria provided, single submitter. Criteria: NYGC Assertion Criteria 2020. Collection method: clinical testing. Allele origin: germline. Observed: 1 heterozygote.

Women's Health and Genetics/Laboratory Corporation of America, LabCorp
Classification: Pathogenic for Bardet-Biedl syndrome. Last evaluated: 2022-05-26. Review status: criteria provided, single submitter. Criteria: LabCorp Variant Classification Summary - May 2015. Collection method: clinical testing. Allele origin: germline.
Comment: Variant summary: BBS12 c.1502C>T (p.Thr501Met) results in a non-conservative amino acid change in the encoded protein sequence. Five of five in-silico tools predict a damaging effect of the variant on protein function. The variant allele was found at a frequency of 3.6e-05 in 251444 control chromosomes. c.1502C>T has been reported in the literature in multiple individuals affected with Bardet-Biedl Syndrome. These data indicate that the variant is very likely to be associated with disease. At least one publication reports experimental evidence evaluating an impact on protein function and showed that mutant protein with p.T501M was significantly different to control in an in vivo assay (Zaghloul_2010). Five clinical diagnostic laboratories have submitted clinical-significance assessments for this variant to ClinVar after 2014 without evidence for independent evaluation. All laboratories classified the variant as pathogenic/likely pathogenic. Based on the evidence outlined above, the variant was classified as pathogenic.

Blueprint Genetics
Classification: Pathogenic for BBS12-related disorders. Last evaluated: 2022-03-29. Review status: criteria provided, single submitter. Criteria: ACMG Guidelines, 2015. Collection method: clinical testing. Allele origin: germline. Affected: yes. Observed: 5 variant alleles.

Revvity Omics, Revvity
Classification: Likely pathogenic for Bardet-Biedl syndrome 12. Last evaluated: 2021-10-29. Review status: criteria provided, single submitter. Criteria: ACMG Guidelines, 2015. Collection method: clinical testing. Allele origin: germline.

Natera, Inc.
Classification: Pathogenic for Bardet-Biedl syndrome type 12. Last evaluated: 2020-07-23. Review status: no assertion criteria provided. Collection method: clinical testing. Allele origin: germline. Not counted in ClinVar's aggregate classification.

Laboratory of Medical Genetics (UMR_S 1112), INSERM/Strasbourg University
Classification: Pathogenic for Bardet-Biedl syndrome. Last evaluated: 2018-09-15. Review status: no assertion criteria provided. Collection method: provider interpretation. Allele origin: germline. Affected: yes. Study: French fetal BBS cohort. Not counted in ClinVar's aggregate classification.

Literature cited by the submitters: PubMed 17160889 (cited by Labcorp Genetics (formerly Invitae), Labcorp and Women's Health and Genetics/Laboratory Corporation of America, LabCorp); PubMed 20472660 (cited by Labcorp Genetics (formerly Invitae), Labcorp); PubMed 20080638 (cited by Labcorp Genetics (formerly Invitae), Labcorp); PubMed 20498079 (cited by Labcorp Genetics (formerly Invitae), Labcorp and Women's Health and Genetics/Laboratory Corporation of America, LabCorp); PubMed 21463199 (cited by Women's Health and Genetics/Laboratory Corporation of America, LabCorp); PubMed 26489029 (cited by Women's Health and Genetics/Laboratory Corporation of America, LabCorp); PubMed 30614526 (cited by Laboratory of Medical Genetics (UMR_S 1112), INSERM/Strasbourg University).